The following is an entry in ClinVar:

ClinVar aggregate classification (germline): Likely pathogenic (1 of 4 stars; one submission).

Allele frequency attached by ClinVar (database versions not stated): ExAC 0.00002; gnomAD 0.00003; TOPMed 0.00005; gnomAD exomes 0.00001.
gnomAD v4.1: 17 of 1,612,738 alleles (0.0011%); highest among the groups gnomAD compares: Middle Eastern, 0.017%; no homozygotes.

Submission:

Labcorp Genetics (formerly Invitae), Labcorp
Classification: Likely pathogenic. Last evaluated: 2025-08-11. Review status: criteria provided, single submitter. Criteria: Invitae Variant Classification Sherloc (09022015). Collection method: clinical testing. Allele origin: germline.
Comment: This sequence change affects a donor splice site in intron 7 of the MECR gene. It is expected to disrupt RNA splicing. Variants that disrupt the donor or acceptor splice site typically lead to a loss of protein function (PMID: 16199547), and loss-of-function variants in MECR are known to be pathogenic (PMID: 27817865). This variant is present in population databases (rs778879465, gnomAD 0.02%). This variant has not been reported in the literature in individuals affected with MECR-related conditions. ClinVar contains an entry for this variant (Variation ID: 2905705). Algorithms developed to predict the effect of sequence changes on RNA splicing suggest that this variant may disrupt the consensus splice site. In summary, the currently available evidence indicates that the variant is pathogenic, but additional data are needed to prove that conclusively. Therefore, this variant has been classified as Likely Pathogenic.

Literature cited by the submitters: PubMed 16199547; PubMed 27817865.

NM_016011.5(MECR):c.830+1G>A

Gene: MECR (mitochondrial trans-2-enoyl-CoA reductase; minus strand). Cytogenetic location: 1p35.3.
Variant type: single nucleotide variant.
Coding change: c.830+1G>A on transcript NM_016011.5 (MANE Select); the canonical splice donor site of the intron after coding-DNA position 830, G replaced by A.
Molecular consequence: splice donor variant. On other transcripts: non-coding transcript variant (1).
Genome position (GRCh38, 1-based): chr1:29,200,515, C>T on the plus strand (G>A on the coding strand, the complement: MECR is on the minus strand). VCF-style: chr1-29200515-C-T. GRCh37 (hg19) VCF-style: chr1-29527027-C-T.
Other names: c.680+1G>A (NM_001349717.2); c.602+1G>A (NM_001024732.4, NM_001349714.2, NM_001349712.2 and 2 more transcripts); c.914+1G>A (NM_001349716.2); c.935+1G>A (NM_001349715.2).
Identifiers: ClinVar variation 2905705 (VCV002905705.3), dbSNP rs778879465, ClinGen allele CA725651.